The following is an entry in ClinVar:

ClinVar aggregate classification (germline): Uncertain significance. Review status: criteria provided, multiple submitters, no conflicts (2 of 4 stars). 2 submissions from 2 submitters: Uncertain significance (2). Last evaluated 2022-10-27.

Conditions:
Joubert syndrome. Also called: Familial aplasia of the vermis; JOUBERT-BOLTSHAUSER SYNDROME. Identifiers: Orphanet 475, MedGen C5979921, MONDO:0018772.
Orofaciodigital syndrome I (OFD1). Also called: Papillon-Leage and Psaume Syndrome; Oral-Facial-Digital Syndrome Type I; OFDS I. Identifiers: Orphanet 2750, MedGen C1510460, MONDO:0010702, OMIM 311200.

gnomAD v4.1: 10 of 1,204,751 alleles (0.00083%); highest among the groups gnomAD compares: Non-Finnish European, 0.0011%; no homozygotes.

Submissions (2):

Blueprint Genetics
Classification: Uncertain significance. Last evaluated: 2022-10-27. Review status: criteria provided, single submitter. Criteria: ACMG Guidelines, 2015. Collection method: clinical testing. Allele origin: germline.

Labcorp Genetics (formerly Invitae), Labcorp
Classification: Uncertain significance for Orofaciodigital syndrome I; Joubert syndrome. Last evaluated: 2021-08-31. Review status: criteria provided, single submitter. Criteria: Invitae Variant Classification Sherloc (09022015). Collection method: clinical testing. Allele origin: germline.
Comment: This sequence change replaces alanine with proline at codon 186 of the OFD1 protein (p.Ala186Pro). The alanine residue is moderately conserved and there is a small physicochemical difference between alanine and proline. This variant is not present in population databases (ExAC no frequency). This variant has not been reported in the literature in individuals affected with OFD1-related conditions. Algorithms developed to predict the effect of missense changes on protein structure and function are either unavailable or do not agree on the potential impact of this missense change (SIFT: "Tolerated"; PolyPhen-2: "Probably Damaging"; Align-GVGD: "Class C0"). In summary, the available evidence is currently insufficient to determine the role of this variant in disease. Therefore, it has been classified as a Variant of Uncertain Significance.

NM_003611.3(OFD1):c.556G>C (p.Ala186Pro)

Gene: OFD1 (OFD1 centriole and centriolar satellite protein; plus strand). Cytogenetic location: Xp22.2.
Variant type: single nucleotide variant.
Coding change: c.556G>C on transcript NM_003611.3 (MANE Select); coding-DNA position 556, G replaced by C.
Protein change: p.Ala186Pro; replaces alanine 186 with proline.
Molecular consequence: missense variant.
Genome position (GRCh38, 1-based): chrX:13,746,357, G>C. VCF-style: chrX-13746357-G-C. GRCh37 (hg19) VCF-style: chrX-13764476-G-C.
Other names: c.556G>C, p.Ala186Pro (NM_001330209.2); c.136G>C, p.Ala46Pro (NM_001330210.2); short protein forms A186P, A46P.
Identifiers: ClinVar variation 1377167 (VCV001377167.7), dbSNP rs1161161896, ClinGen allele CA412336971.
Genomic context (GRCh38, chrX:13,746,357, plus strand): 5'-TTGATGTGTTATTTTTTAATAGCTGAGAAGCTTCAGCTTATTGATGATCAGTTTGCAGAT[G>C]CTTACCCTCAGCGTATCAAGTTCGAATCTTTAGAAATAAAGCTAAATGAGTATAAGAGAG-3'
Protein context (NP_003602.1, residues 176-196): LQLIDDQFAD[Ala186Pro]YPQRIKFESL